The following is an entry in ClinVar:

NM_182961.4(SYNE1):c.10217A>T (p.Asp3406Val)

Gene: SYNE1 (spectrin repeat containing nuclear envelope protein 1; minus strand). Cytogenetic location: 6q25.2.
Variant type: single nucleotide variant.
Coding change: c.10217A>T on transcript NM_182961.4 (MANE Select); coding-DNA position 10217, A replaced by T.
Protein change: p.Asp3406Val; replaces aspartic acid 3406 with valine.
Molecular consequence: missense variant.
Genome position (GRCh38, 1-based): chr6:152,362,252, T>A on the plus strand (A>T on the coding strand, the complement: SYNE1 is on the minus strand). VCF-style: chr6-152362252-T-A. GRCh37 (hg19) VCF-style: chr6-152683387-T-A.
Other names: c.10238A>T, p.Asp3413Val (NM_033071.5); short protein forms D3406V, D3413V.
Identifiers: ClinVar variation 586701 (VCV000586701.5), dbSNP rs546645393, ClinGen allele CA366130513.

ClinVar aggregate classification (germline): Uncertain significance. Review status: criteria provided, multiple submitters, no conflicts (2 of 4 stars). 2 submissions from 2 submitters: Uncertain significance (2). Last evaluated 2022-08-09.

Conditions:
Emery-Dreifuss muscular dystrophy 4, autosomal dominant (EDMD4). Also called: EMERY-DREIFUSS MUSCULAR DYSTROPHY 4 WITH VARIABLE FEATURES. Identifiers: Orphanet 261, MedGen C2751807, MONDO:0013071, OMIM 612998.
Autosomal recessive ataxia, Beauce type. Also called: SYNE1-Related Autosomal Recessive Cerebellar Ataxia; Spinocerebellar ataxia, autosomal recessive 8; ATAXIA, RECESSIVE, OF BEAUCE; SYNE1 Deficiency. Identifiers: Orphanet 88644, MedGen C1853116, MONDO:0012549, OMIM 610743.

Allele frequency attached by ClinVar (database versions not stated): TOPMed 0.00002.
gnomAD v4.1: 6 of 1,614,074 alleles (0.00037%); highest among the groups gnomAD compares: Middle Eastern, 0.066%; no homozygotes.

Submissions (2):

Labcorp Genetics (formerly Invitae), Labcorp
Classification: Uncertain significance for Emery-Dreifuss muscular dystrophy 4, autosomal dominant; Autosomal recessive ataxia, Beauce type. Last evaluated: 2022-08-09. Review status: criteria provided, single submitter. Criteria: Invitae Variant Classification Sherloc (09022015). Collection method: clinical testing. Allele origin: germline.
Comment: Algorithms developed to predict the effect of sequence changes on RNA splicing suggest that this variant may create or strengthen a splice site. In summary, the available evidence is currently insufficient to determine the role of this variant in disease. Therefore, it has been classified as a Variant of Uncertain Significance. Algorithms developed to predict the effect of missense changes on protein structure and function (SIFT, PolyPhen-2, Align-GVGD) all suggest that this variant is likely to be disruptive. ClinVar contains an entry for this variant (Variation ID: 586701). This sequence change replaces aspartic acid, which is acidic and polar, with valine, which is neutral and non-polar, at codon 3413 of the SYNE1 protein (p.Asp3413Val). This variant is present in population databases (no rsID available, gnomAD 0.002%). This variant has not been reported in the literature in individuals affected with SYNE1-related conditions.

Athena Diagnostics
Classification: Uncertain significance. Last evaluated: 2017-11-03. Review status: criteria provided, single submitter. Criteria: Athena Diagnostics Criteria. Collection method: clinical testing. Allele origin: germline.